The following is an entry in ClinVar:

ClinVar aggregate classification (germline): Benign/Likely benign. Review status: criteria provided, multiple submitters, no conflicts (2 of 4 stars). 4 submissions from 4 submitters: Benign (1); Likely benign (3). Last evaluated 2024-06-30.

Conditions:
Hereditary cancer-predisposing syndrome. Also called: Neoplastic Syndromes, Hereditary; Tumor predisposition; Hereditary neoplastic syndrome; Hereditary Cancer Syndrome. Identifiers: Orphanet 140162, MedGen C0027672, MeSH D009386, MONDO:0015356.
Familial adenomatous polyposis 1 (FAP1). Also called: POLYPOSIS, ADENOMATOUS INTESTINAL; FAMILIAL ADENOMATOUS POLYPOSIS 1, ATTENUATED. Identifiers: MedGen C2713442, MONDO:0021056, OMIM 175100. Disease mechanism: loss of function.

gnomAD v4.1: 1 of 1,613,964 alleles (0.000062%); highest among the groups gnomAD compares: Non-Finnish European, 0.000085%; no homozygotes.

Submissions (4):

Color Diagnostics, LLC DBA Color Health
Classification: Likely benign for Hereditary cancer-predisposing syndrome. Last evaluated: 2024-06-30. Review status: criteria provided, single submitter. Criteria: ACMG Guidelines, 2015. Collection method: clinical testing. Allele origin: germline.

Myriad Genetics, Inc.
Classification: Benign for Familial adenomatous polyposis 1. Last evaluated: 2024-02-29. Review status: criteria provided, single submitter. Criteria: Myriad Autosomal Dominant, Autosomal Recessive and X-Linked Classification Criteria (2023). Collection method: clinical testing. Allele origin: unknown.
Comment: This variant is considered benign. This variant is a silent/synonymous amino acid change and it is not expected to impact splicing.

Labcorp Genetics (formerly Invitae), Labcorp
Classification: Likely benign for Familial adenomatous polyposis 1. Last evaluated: 2023-02-18. Review status: criteria provided, single submitter. Criteria: Invitae Variant Classification Sherloc (09022015). Collection method: clinical testing. Allele origin: germline.

Ambry Genetics
Classification: Likely benign for Hereditary cancer-predisposing syndrome. Last evaluated: 2019-07-05. Review status: criteria provided, single submitter. Criteria: Ambry Variant Classification Scheme 2023. Collection method: clinical testing. Allele origin: germline.

NM_000038.6(APC):c.993G>T (p.Ser331=)

Gene: APC (APC regulator of Wnt signaling pathway; plus strand). Cytogenetic location: 5q22.2.
Variant type: single nucleotide variant.
Coding change: c.993G>T on transcript NM_000038.6 (MANE Select); coding-DNA position 993, G replaced by T.
Protein change: p.Ser331=; no amino-acid change (serine 331 retained).
Molecular consequence: synonymous variant. On other transcripts: intron variant (4).
Genome position (GRCh38, 1-based): chr5:112,819,025, G>T. VCF-style: chr5-112819025-G-T. GRCh37 (hg19) VCF-style: chr5-112154722-G-T.
Other names: c.993G>T, p.Ser331= (NM_001127510.3, NM_001354895.2, NM_001354896.2); c.939G>T, p.Ser313= (NM_001127511.3); c.1023G>T, p.Ser341= (NM_001354897.2); c.918G>T, p.Ser306= (NM_001354898.2); c.909G>T, p.Ser303= (NM_001354899.2); c.816G>T, p.Ser272= (NM_001354900.2, NM_001354901.2); c.144G>T, p.Ser48= (NM_001354906.2); c.964-244G>T (NM_001354902.2); and 3 more.
Identifiers: ClinVar variation 823565 (VCV000823565.13), dbSNP rs148343173, ClinGen allele CA445755773.